The following is an entry in ClinVar:

ClinVar aggregate classification (germline): Uncertain significance. Review status: criteria provided, multiple submitters, no conflicts (2 of 4 stars). 4 submissions from 4 submitters: Uncertain significance (4). Last evaluated 2025-11-08.

Conditions:
Left ventricular noncompaction 1 (LVNC1). Also called: LEFT VENTRICULAR NONCOMPACTION 1 WITH OR WITHOUT CONGENITAL HEART DEFECTS. Identifiers: Orphanet 54260, MedGen C1858725, MONDO:0011403, OMIM 604169.
DTNA-related disorder. Also called: DTNA-related condition.

Allele frequency attached by ClinVar (database versions not stated): gnomAD exomes below 0.00001; ExAC 0.00001; gnomAD 0.00001; ESP Exome Variant Server 0.00008; TOPMed 0.00001.
gnomAD v4.1: 3 of 1,613,948 alleles (0.00019%); highest among the groups gnomAD compares: East Asian, 0.0022%; no homozygotes.

Submissions (4):

Ambry Genetics
Classification: Uncertain significance. Last evaluated: 2025-11-08. Review status: criteria provided, single submitter. Criteria: Ambry Variant Classification Scheme 2023. Collection method: clinical testing. Allele origin: germline.

PreventionGenetics, part of Exact Sciences
Classification: Uncertain significance for DTNA-related condition. Last evaluated: 2023-09-23. Review status: criteria provided, single submitter. Criteria: ACMG Guidelines, 2015. Collection method: clinical testing. Allele origin: germline.
Comment: The DTNA c.944C>G variant is predicted to result in the amino acid substitution p.Pro315Arg. To our knowledge, this variant has not been reported in the literature. This variant is reported in 0.0062% of alleles in individuals of African descent in gnomAD. At this time, the clinical significance of this variant is uncertain due to the absence of conclusive functional and genetic evidence.

Labcorp Genetics (formerly Invitae), Labcorp
Classification: Uncertain significance for Left ventricular noncompaction 1. Last evaluated: 2022-07-26. Review status: criteria provided, single submitter. Criteria: Invitae Variant Classification Sherloc (09022015). Collection method: clinical testing. Allele origin: germline.
Comment: This sequence change replaces proline, which is neutral and non-polar, with arginine, which is basic and polar, at codon 315 of the DTNA protein (p.Pro315Arg). This variant is present in population databases (rs138085660, gnomAD 0.007%). This variant has not been reported in the literature in individuals affected with DTNA-related conditions. ClinVar contains an entry for this variant (Variation ID: 426155). Algorithms developed to predict the effect of missense changes on protein structure and function are either unavailable or do not agree on the potential impact of this missense change (SIFT: "Tolerated"; PolyPhen-2: "Probably Damaging"; Align-GVGD: "Class C0"). In summary, the available evidence is currently insufficient to determine the role of this variant in disease. Therefore, it has been classified as a Variant of Uncertain Significance.

GeneDx
Classification: Uncertain significance. Last evaluated: 2017-04-28. Review status: criteria provided, single submitter. Criteria: GeneDx Variant Classification (06012015). Collection method: clinical testing. Allele origin: germline. Affected: yes.
Comment: A variant of uncertain significance has been identified in the DTNA gene. The P315R variant has not been published as pathogenic or been reported as benign to our knowledge. This variant is not observed at a significant frequency in large population cohorts (Lek et al., 2016; 1000 Genomes Consortium et al., 2015; Exome Variant Server). The P315R variant is a non-conservative amino acid substitution, which is likely to impact secondary protein structure as these residues differ in polarity, charge, size and/or other properties. This substitution occurs at a position that is conserved across species and in silico analysis predicts this variant is probably damaging to the protein structure/function. However, this variant lacks observation in a significant number of affected individuals, segregation data, and functional evidence, which would further clarify its pathogenicity.

NM_001386795.1(DTNA):c.944C>G (p.Pro315Arg)

Gene: DTNA (dystrobrevin alpha; plus strand). Cytogenetic location: 18q12.1.
Variant type: single nucleotide variant.
Coding change: c.944C>G on transcript NM_001386795.1 (MANE Select); coding-DNA position 944, C replaced by G.
Protein change: p.Pro315Arg; replaces proline 315 with arginine.
Molecular consequence: missense variant. On other transcripts: 5 prime UTR variant (4), intron variant (1).
Genome position (GRCh38, 1-based): chr18:34,820,858, C>G. VCF-style: chr18-34820858-C-G. GRCh37 (hg19) VCF-style: chr18-32400822-C-G.
Other names: c.944C>G, p.Pro315Arg (NM_001128175.2, NM_001198938.2, NM_001198939.2 and 34 more transcripts); c.-11C>G (NM_001198942.1, NM_001198944.1, NM_032980.4 and 1 more transcripts); c.194C>G, p.Pro65Arg (NM_001198943.1); c.603+8745C>G (NM_001198945.2); short protein forms P315R, P65R.
Identifiers: ClinVar variation 426155 (VCV000426155.13), dbSNP rs138085660, ClinGen allele CA8935498.